The following is an entry in ClinVar:

ClinVar aggregate classification (germline): Uncertain significance (1 of 4 stars; one submission).

Conditions:
Acrocallosal syndrome (ACLS). Also called: HALLUX DUPLICATION, POSTAXIAL POLYDACTYLY, AND ABSENCE OF CORPUS CALLOSUM; Schinzel syndrome 1; Absence of corpus callosum with unusual facial appearance, mental deficiency, duplication of the halluces and polydactyly. Identifiers: Orphanet 36, MedGen C0796147, MONDO:0008708, OMIM 200990.

Allele frequency attached by ClinVar (database versions not stated): gnomAD exomes below 0.00001.
gnomAD v4.1: 6 of 1,550,154 alleles (0.00039%); highest among the groups gnomAD compares: East Asian, 0.0024%; no homozygotes.

Submission:

Labcorp Genetics (formerly Invitae), Labcorp
Classification: Uncertain significance for Acrocallosal syndrome. Last evaluated: 2021-09-09. Review status: criteria provided, single submitter. Criteria: Invitae Variant Classification Sherloc (09022015). Collection method: clinical testing. Allele origin: germline.
Comment: This sequence change replaces glycine with glutamic acid at codon 33 of the KIF7 protein (p.Gly33Glu). The glycine residue is weakly conserved and there is a moderate physicochemical difference between glycine and glutamic acid. This variant is not present in population databases (ExAC no frequency). This variant has not been reported in the literature in individuals affected with KIF7-related conditions. Algorithms developed to predict the effect of missense changes on protein structure and function are either unavailable or do not agree on the potential impact of this missense change (SIFT: "Deleterious"; PolyPhen-2: "Probably Damaging"; Align-GVGD: "Class C0"). In summary, the available evidence is currently insufficient to determine the role of this variant in disease. Therefore, it has been classified as a Variant of Uncertain Significance.

NM_198525.3(KIF7):c.98G>A (p.Gly33Glu)

Gene: KIF7 (kinesin family member 7; minus strand). Cytogenetic location: 15q26.1.
Variant type: single nucleotide variant.
Coding change: c.98G>A on transcript NM_198525.3 (MANE Select); coding-DNA position 98, G replaced by A.
Protein change: p.Gly33Glu; replaces glycine 33 with glutamic acid.
Molecular consequence: missense variant.
Genome position (GRCh38, 1-based): chr15:89,652,833, C>T on the plus strand (G>A on the coding strand, the complement: KIF7 is on the minus strand). VCF-style: chr15-89652833-C-T. GRCh37 (hg19) VCF-style: chr15-90196064-C-T.
Other names: short protein forms G33E.
Identifiers: ClinVar variation 1478854 (VCV001478854.6), dbSNP rs2142036702, ClinGen allele CA393780728.